The following is an entry in ClinVar:

NM_021831.6(AGBL5):c.1588G>A (p.Ala530Thr)

Gene: AGBL5 (AGBL carboxypeptidase 5; plus strand). Cytogenetic location: 2p23.3.
Variant type: single nucleotide variant.
Coding change: c.1588G>A on transcript NM_021831.6 (MANE Select); coding-DNA position 1588, G replaced by A.
Protein change: p.Ala530Thr; replaces alanine 530 with threonine.
Molecular consequence: missense variant. On other transcripts: non-coding transcript variant (2).
Genome position (GRCh38, 1-based): chr2:27,057,355, G>A. VCF-style: chr2-27057355-G-A. GRCh37 (hg19) VCF-style: chr2-27280223-G-A.
Other names: c.1588G>A, p.Ala530Thr (NM_001035507.3); short protein forms A530T.
Identifiers: ClinVar variation 854045 (VCV000854045.8), dbSNP rs772561540, ClinGen allele CA1567910.

ClinVar aggregate classification (germline): Uncertain significance. Review status: criteria provided, multiple submitters, no conflicts (2 of 4 stars). 3 submissions from 3 submitters: Uncertain significance (3). Last evaluated 2025-07-02.

Conditions:
Inborn genetic diseases. Identifiers: MedGen C0950123, MeSH D030342.

Allele frequency attached by ClinVar (database versions not stated): ExAC 0.00005; gnomAD exomes 0.00005; TOPMed 0.00008; gnomAD 0.00009.

Submissions (3):

Ambry Genetics
Classification: Uncertain significance for Inborn genetic diseases. Last evaluated: 2025-07-02. Review status: criteria provided, single submitter. Criteria: Ambry Variant Classification Scheme 2023. Collection method: clinical testing. Allele origin: germline.

Labcorp Genetics (formerly Invitae), Labcorp
Classification: Uncertain significance. Last evaluated: 2025-04-28. Review status: criteria provided, single submitter. Criteria: Invitae Variant Classification Sherloc (09022015). Collection method: clinical testing. Allele origin: germline.
Comment: This sequence change replaces alanine, which is neutral and non-polar, with threonine, which is neutral and polar, at codon 530 of the AGBL5 protein (p.Ala530Thr). This variant is present in population databases (rs772561540, gnomAD 0.009%). This variant has not been reported in the literature in individuals affected with AGBL5-related conditions. ClinVar contains an entry for this variant (Variation ID: 854045). An algorithm developed to predict the effect of missense changes on protein structure and function (PolyPhen-2) suggests that this variant is likely to be tolerated. In summary, the available evidence is currently insufficient to determine the role of this variant in disease. Therefore, it has been classified as a Variant of Uncertain Significance.

Blueprint Genetics
Classification: Uncertain significance. Last evaluated: 2024-11-23. Review status: criteria provided, single submitter. Criteria: ACMG Guidelines, 2015. Collection method: clinical testing. Allele origin: germline.